The following is an entry in ClinVar:

NM_000051.4(ATM):c.5286C>G (p.Ala1762=)

Gene: ATM (ATM serine/threonine kinase; plus strand). Cytogenetic location: 11q22.3.
Variant type: single nucleotide variant.
Coding change: c.5286C>G on transcript NM_000051.4 (MANE Select); coding-DNA position 5286, C replaced by G.
Protein change: p.Ala1762=; no amino-acid change (alanine 1762 retained).
Molecular consequence: synonymous variant.
Genome position (GRCh38, 1-based): chr11:108,301,756, C>G. VCF-style: chr11-108301756-C-G. GRCh37 (hg19) VCF-style: chr11-108172483-C-G.
Other names: c.5286C>G, p.Ala1762= (NM_001351834.2).
Identifiers: ClinVar variation 3253987 (VCV003253987.1), dbSNP rs2135914846.

ClinVar aggregate classification (germline): Benign (1 of 4 stars; one submission).

Conditions:
Familial cancer of breast. Also called: BREAST CANCER, FAMILIAL; Hereditary breast cancer; hereditary breast carcinoma. Identifiers: Orphanet 227535, MedGen C0346153, MONDO:0016419, OMIM 114480. Disease mechanism: loss of function.

Submission:

Myriad Genetics, Inc.
Classification: Benign for Familial cancer of breast. Last evaluated: 2024-05-22. Review status: criteria provided, single submitter. Criteria: Myriad Autosomal Dominant, Autosomal Recessive and X-Linked Classification Criteria (2023). Collection method: clinical testing. Allele origin: unknown.
Comment: This variant is considered benign. This variant is a silent/synonymous amino acid change and it is not expected to impact splicing.